The following is an entry in ClinVar:

NM_001366385.1(CARD14):c.2807+10C>G

Genes: SGSH (N-sulfoglucosamine sulfohydrolase; minus strand), CARD14 (caspase recruitment domain family member 14; plus strand). Cytogenetic location: 17q25.3.
Variant type: single nucleotide variant.
Coding change: c.2807+10C>G on transcript NM_001366385.1 (MANE Select); 10 bases into the intron after coding-DNA position 2807, C replaced by G.
Molecular consequence: intron variant.
Genome position (GRCh38, 1-based): chr17:80,207,095, C>G. VCF-style: chr17-80207095-C-G. GRCh37 (hg19) VCF-style: chr17-78180894-C-G.
Other names: c.2807+10C>G (NM_024110.4).
Identifiers: ClinVar variation 1463441 (VCV001463441.10), dbSNP rs368700533, ClinGen allele CA775530833.

ClinVar aggregate classification (germline): Likely benign. Review status: criteria provided, single submitter (1 of 4 stars). 2 submissions from 2 submitters: Likely benign (1). 1 of the submissions does not count toward it. Last evaluated 2024-10-28.

Conditions:
CARD14-related disorder. Also called: CARD14-related condition.
Psoriasis 2. Identifiers: MedGen C1864497, MONDO:0011269, OMIM 602723.
Pityriasis rubra pilaris (PRP). Also called: Pityriasis rubra pilaris--familial type. Identifiers: Orphanet 2897, MedGen C0032027, MONDO:0100017, OMIM 173200, MONDO:0008251.

gnomAD v4.1: 15 of 1,600,356 alleles (0.00094%); highest among the groups gnomAD compares: Non-Finnish European, 0.0013%; no homozygotes.

Submissions (2):

Labcorp Genetics (formerly Invitae), Labcorp
Classification: Likely benign for Pityriasis rubra pilaris; Psoriasis 2. Last evaluated: 2024-10-28. Review status: criteria provided, single submitter. Criteria: Invitae Variant Classification Sherloc (09022015). Collection method: clinical testing. Allele origin: germline.

PreventionGenetics, part of Exact Sciences
Classification: Likely benign for CARD14-related condition. Last evaluated: 2023-05-23. Review status: no assertion criteria provided. Collection method: clinical testing. Allele origin: germline. Not counted in ClinVar's aggregate classification.
Comment: This variant is classified as likely benign based on ACMG/AMP sequence variant interpretation guidelines (Richards et al. 2015 PMID: 25741868, with internal and published modifications).